The following is an entry in ClinVar:

ClinVar aggregate classification (germline): Uncertain significance (1 of 4 stars; one submission).

Allele frequency attached by ClinVar (database versions not stated): ExAC 0.00001; gnomAD exomes 0.00001.
gnomAD v4.1: 8 of 1,613,750 alleles (0.0005%); highest among the groups gnomAD compares: Non-Finnish European, 0.00068%; no homozygotes.

Submission:

Ambry Genetics
Classification: Uncertain significance. Last evaluated: 2023-01-08. Review status: criteria provided, single submitter. Criteria: Ambry Variant Classification Scheme 2023. Collection method: clinical testing. Allele origin: germline.
Comment: The p.A470V variant (also known as c.1409C>T), located in coding exon 13 of the PRKDC gene, results from a C to T substitution at nucleotide position 1409. The alanine at codon 470 is replaced by valine, an amino acid with similar properties. This amino acid position is conserved. In addition, this alteration is predicted to be tolerated by in silico analysis. Since supporting evidence is limited at this time, the clinical significance of this alteration remains unclear.

NM_006904.7(PRKDC):c.1409C>T (p.Ala470Val)

Gene: PRKDC (protein kinase, DNA-activated, catalytic subunit; minus strand). Cytogenetic location: 8q11.21.
Variant type: single nucleotide variant.
Coding change: c.1409C>T on transcript NM_006904.7 (MANE Select); coding-DNA position 1409, C replaced by T.
Protein change: p.Ala470Val; replaces alanine 470 with valine.
Molecular consequence: missense variant.
Genome position (GRCh38, 1-based): chr8:47,935,770, G>A on the plus strand (C>T on the coding strand, the complement: PRKDC is on the minus strand). VCF-style: chr8-47935770-G-A. GRCh37 (hg19) VCF-style: chr8-48848330-G-A.
Other names: c.1409C>T, p.Ala470Val (NM_001081640.2); short protein forms A470V.
Identifiers: ClinVar variation 2453091 (VCV002453091.2), dbSNP rs747812817, ClinGen allele CA4741746.